The following is an entry in ClinVar:

NM_000057.4(BLM):c.4248C>A (p.Phe1416Leu)

Gene: BLM (BLM RecQ like helicase; plus strand). Cytogenetic location: 15q26.1.
Variant type: single nucleotide variant.
Coding change: c.4248C>A on transcript NM_000057.4 (MANE Select); coding-DNA position 4248, C replaced by A.
Protein change: p.Phe1416Leu; replaces phenylalanine 1416 with leucine.
Molecular consequence: missense variant.
Genome position (GRCh38, 1-based): chr15:90,815,273, C>A. VCF-style: chr15-90815273-C-A. GRCh37 (hg19) VCF-style: chr15-91358503-C-A.
Other names: c.4248C>A, p.Phe1416Leu (NM_001287246.2); c.3855C>A, p.Phe1285Leu (NM_001287247.2); c.3123C>A, p.Phe1041Leu (NM_001287248.2); short protein forms F1285L, F1041L, F1416L.
Identifiers: ClinVar variation 4843386 (VCV004843386.1).

ClinVar aggregate classification (germline): Uncertain significance (1 of 4 stars; one submission).

Conditions:
Hereditary cancer-predisposing syndrome. Also called: Neoplastic Syndromes, Hereditary; Tumor predisposition; Hereditary Cancer Syndrome; Hereditary neoplastic syndrome. Identifiers: Orphanet 140162, MedGen C0027672, MeSH D009386, MONDO:0015356.

Submission:

Ambry Genetics
Classification: Uncertain significance for Hereditary cancer-predisposing syndrome. Last evaluated: 2025-12-17. Review status: criteria provided, single submitter. Criteria: Ambry Variant Classification Scheme 2023. Collection method: clinical testing. Allele origin: germline.
Comment: The p.F1416L variant (also known as c.4248C>A), located in coding exon 21 of the BLM gene, results from a C to A substitution at nucleotide position 4248. The phenylalanine at codon 1416 is replaced by leucine, an amino acid with highly similar properties. This amino acid position is conserved. In addition, this alteration is predicted to be tolerated by in silico analysis. Based on the available evidence, the clinical significance of this variant remains unclear.